The following is an entry in ClinVar:

ClinVar aggregate classification (germline): Uncertain significance. Review status: criteria provided, multiple submitters, no conflicts (2 of 4 stars). 3 submissions from 3 submitters: Uncertain significance (3). Last evaluated 2025-08-31.

Conditions:
Tuberous sclerosis 2 (TSC2). Identifiers: Orphanet 805, MedGen C1860707, MONDO:0013199, OMIM 613254.
Hereditary cancer-predisposing syndrome. Also called: Tumor predisposition; Hereditary neoplastic syndrome; Neoplastic Syndromes, Hereditary; Hereditary Cancer Syndrome. Identifiers: Orphanet 140162, MedGen C0027672, MeSH D009386, MONDO:0015356.

gnomAD v4.1: 1 of 1,584,820 alleles (0.000063%); highest among the groups gnomAD compares: Non-Finnish European, 0.000086%; no homozygotes.

Submissions (3):

Ambry Genetics
Classification: Uncertain significance for Hereditary cancer-predisposing syndrome. Last evaluated: 2025-08-31. Review status: criteria provided, single submitter. Criteria: Ambry Variant Classification Scheme 2023. Collection method: clinical testing. Allele origin: germline.
Comment: The p.E79K variant (also known as c.235G>A), located in coding exon 3 of the TSC2 gene, results from a G to A substitution at nucleotide position 235. The glutamic acid at codon 79 is replaced by lysine, an amino acid with similar properties. This amino acid position is conserved. In addition, this alteration is predicted to be deleterious by in silico analysis. Based on the available evidence, the clinical significance of this variant remains unclear.

Labcorp Genetics (formerly Invitae), Labcorp
Classification: Uncertain significance for Tuberous sclerosis 2. Last evaluated: 2023-08-17. Review status: criteria provided, single submitter. Criteria: Invitae Variant Classification Sherloc (09022015). Collection method: clinical testing. Allele origin: germline.
Comment: In summary, the available evidence is currently insufficient to determine the role of this variant in disease. Therefore, it has been classified as a Variant of Uncertain Significance. This sequence change replaces glutamic acid, which is acidic and polar, with lysine, which is basic and polar, at codon 79 of the TSC2 protein (p.Glu79Lys). This variant is not present in population databases (gnomAD no frequency). This variant has not been reported in the literature in individuals affected with TSC2-related conditions. ClinVar contains an entry for this variant (Variation ID: 1382405). Advanced modeling of protein sequence and biophysical properties (such as structural, functional, and spatial information, amino acid conservation, physicochemical variation, residue mobility, and thermodynamic stability) performed at Invitae indicates that this missense variant is not expected to disrupt TSC2 protein function.

Quest Diagnostics Nichols Institute San Juan Capistrano
Classification: Uncertain significance. Last evaluated: 2021-08-09. Review status: criteria provided, single submitter. Criteria: Quest Diagnostics criteria. Collection method: clinical testing. Allele origin: unknown.

NM_000548.5(TSC2):c.235G>A (p.Glu79Lys)

Gene: TSC2 (TSC complex subunit 2; plus strand). Cytogenetic location: 16p13.3.
Variant type: single nucleotide variant.
Coding change: c.235G>A on transcript NM_000548.5 (MANE Select); coding-DNA position 235, G replaced by A.
Protein change: p.Glu79Lys; replaces glutamic acid 79 with lysine.
Molecular consequence: missense variant. On other transcripts: intron variant (2).
Genome position (GRCh38, 1-based): chr16:2,053,351, G>A. VCF-style: chr16-2053351-G-A. GRCh37 (hg19) VCF-style: chr16-2103352-G-A.
Other names: c.235G>A, p.Glu79Lys (NM_001077183.3, NM_001114382.3, NM_001363528.2 and 3 more transcripts); c.88G>A, p.Glu30Lys (NM_001318829.2); c.268G>A, p.Glu90Lys (NM_001318832.2); c.226-945G>A (NM_001318827.2); c.-1-2845G>A (NM_001318831.2); short protein forms E30K, E90K, E79K.
Identifiers: ClinVar variation 1382405 (VCV001382405.8), dbSNP rs2151026169, ClinGen allele CA394305440.
Genomic context (GRCh38, chr16:2,053,351, plus strand): 5'-CAGGGTTCTTGGAGAGCACATCCTCACCGCTGTCCCCTCTGCTGGTGACAGCACGCAGTG[G>A]AAGCACTCTGGAAGGCGGTCGCGGATCTGTTGCAGCCGGAGCGGCCGCTGGAGGCCCGGC-3'
Protein context (NP_000539.2, residues 69-89): KTKKFEEHAV[Glu79Lys]ALWKAVADLL